The following is an entry in ClinVar:

NM_006231.4(POLE):c.5316_5317del (p.Gly1773fs)

Gene: POLE (DNA polymerase epsilon, catalytic subunit; minus strand). Cytogenetic location: 12q24.33.
Variant type: Deletion.
Coding change: c.5316_5317del on transcript NM_006231.4 (MANE Select); coding-DNA positions 5316 to 5317, 2 bases deleted (TG; older notation c.5316_5317delTG).
Protein change: p.Gly1773fs; shifts the reading frame from glycine 1773.
Molecular consequence: frameshift variant.
Genome position (GRCh38, 1-based): chr12:132,641,708-132,641,709, CA deleted on the plus strand (TG on the coding strand, the reverse complement: POLE is on the minus strand); deleting any 2 consecutive bases within chr12:132,641,708-132,641,710 gives the same sequence; the c. name uses the placement nearest the transcript's 3' end. VCF-style (leftmost placement, unchanged base first): chr12-132641707-CCA-C. GRCh37 (hg19) VCF-style: chr12-133218293-CCA-C.
Other names: short protein forms G1773fs.
Identifiers: ClinVar variation 825642 (VCV000825642.14), dbSNP rs1593727638, ClinGen allele CA915946808.

ClinVar aggregate classification (germline): Conflicting classifications of pathogenicity. Review status: criteria provided, conflicting classifications (1 of 4 stars). 2 submissions from 2 submitters: Pathogenic (1); Uncertain significance (1). Last evaluated 2026-02-05.

Conditions:
Hereditary cancer-predisposing syndrome. Also called: Hereditary Cancer Syndrome; Tumor predisposition; Neoplastic Syndromes, Hereditary; Hereditary neoplastic syndrome. Identifiers: Orphanet 140162, MedGen C0027672, MeSH D009386, MONDO:0015356.

Submissions (2):

Ambry Genetics
Classification: Uncertain significance for Hereditary cancer-predisposing syndrome. Last evaluated: 2026-02-05. Review status: criteria provided, single submitter. Criteria: Ambry Variant Classification Scheme 2023. Collection method: clinical testing. Allele origin: germline.
Comment: The c.5316_5317delTG variant, located in coding exon 39 of the POLE gene, results from a deletion of two nucleotides at nucleotide positions 5316 to 5317, causing a translational frameshift with a predicted alternate stop codon (p.G1773Sfs*11). This alteration is expected to result in loss of function by premature protein truncation or nonsense-mediated mRNA decay. Although biallelic loss of function of POLE has been associated with autosomal recessive POLE deficiency, haploinsufficiency of POLE has not been established as a mechanism of disease for POLE-related polymerase proofreading-associated polyposis (PPAP) and POLE-related CMMRD-like syndrome. Based on the supporting evidence, this variant is expected to be causative of POLE deficiency when present along with a second pathogenic variant on the other allele; however, its clinical significance for PPAP and POLE-related CMMRD-like syndrome is unclear.

Labcorp Genetics (formerly Invitae), Labcorp
Classification: Pathogenic. Last evaluated: 2023-05-24. Review status: criteria provided, single submitter. Criteria: Invitae Variant Classification Sherloc (09022015). Collection method: clinical testing. Allele origin: germline.
Comment: Algorithms developed to predict the effect of sequence changes on RNA splicing suggest that this variant may create or strengthen a splice site. For these reasons, this variant has been classified as Pathogenic. ClinVar contains an entry for this variant (Variation ID: 825642). This sequence change creates a premature translational stop signal (p.Gly1773Serfs*11) in the POLE gene. It is expected to result in an absent or disrupted protein product. Loss-of-function variants in POLE are known to be pathogenic (PMID: 23230001, 25948378, 30503519). This variant is not present in population databases (gnomAD no frequency). This variant has not been reported in the literature in individuals affected with POLE-related conditions.

Literature cited by the submitters: PubMed 23230001 (cited by Labcorp Genetics (formerly Invitae), Labcorp); PubMed 25948378 (cited by Labcorp Genetics (formerly Invitae), Labcorp); PubMed 30503519 (cited by Labcorp Genetics (formerly Invitae), Labcorp).